The following is an entry in ClinVar:

NM_004656.4(BAP1):c.1578C>A (p.His526Gln)

Gene: BAP1 (BRCA1 associated deubiquitinase 1; minus strand). Cytogenetic location: 3p21.1.
Variant type: single nucleotide variant.
Coding change: c.1578C>A on transcript NM_004656.4 (MANE Select); coding-DNA position 1578, C replaced by A.
Protein change: p.His526Gln; replaces histidine 526 with glutamine.
Molecular consequence: missense variant.
Genome position (GRCh38, 1-based): chr3:52,403,567, G>T on the plus strand (C>A on the coding strand, the complement: BAP1 is on the minus strand). VCF-style: chr3-52403567-G-T. GRCh37 (hg19) VCF-style: chr3-52437583-G-T.
Other names: short protein forms H526Q.
Identifiers: ClinVar variation 845107 (VCV000845107.11), dbSNP rs1250224373, ClinGen allele CA353100591.

ClinVar aggregate classification (germline): Uncertain significance. Review status: criteria provided, multiple submitters, no conflicts (2 of 4 stars). 3 submissions from 3 submitters: Uncertain significance (3). Last evaluated 2024-03-06.

Conditions:
BAP1-related tumor predisposition syndrome (TPDS1). Also called: Tumor susceptibility linked to germline BAP1 mutations; BAP1 tumor predisposition syndrome; TUMOR PREDISPOSITION SYNDROME 1; COMMON Syndrome. Identifiers: Orphanet 289539, MedGen C3280492, MONDO:0013692, OMIM 614327.
Hereditary cancer-predisposing syndrome. Also called: Tumor predisposition; Hereditary neoplastic syndrome; Neoplastic Syndromes, Hereditary; Hereditary Cancer Syndrome. Identifiers: Orphanet 140162, MedGen C0027672, MeSH D009386, MONDO:0015356.

Allele frequency attached by ClinVar (database versions not stated): gnomAD exomes below 0.00001 and 0.00001.
gnomAD v4.1: 8 of 1,614,176 alleles (0.0005%); highest among the groups gnomAD compares: Non-Finnish European, 0.00068%; no homozygotes.

Submissions (3):

Color Diagnostics, LLC DBA Color Health
Classification: Uncertain significance for Hereditary cancer-predisposing syndrome. Last evaluated: 2024-03-06. Review status: criteria provided, single submitter. Criteria: ACMG Guidelines, 2015. Collection method: clinical testing. Allele origin: germline.
Comment: This missense variant replaces histidine with glutamine at codon 526 of the BAP1 protein. Computational prediction suggests that this variant may not impact protein structure and function (internally defined REVEL score threshold <= 0.5, PMID: 27666373). To our knowledge, functional studies have not been reported for this variant. This variant has not been reported in individuals affected with BAP1-related disorders in the literature. This variant has been identified in 1/251170 chromosomes in the general population by the Genome Aggregation Database (gnomAD). The available evidence is insufficient to determine the role of this variant in disease conclusively. Therefore, this variant is classified as a Variant of Uncertain Significance.

Labcorp Genetics (formerly Invitae), Labcorp
Classification: Uncertain significance for BAP1-related tumor predisposition syndrome. Last evaluated: 2023-07-19. Review status: criteria provided, single submitter. Criteria: Invitae Variant Classification Sherloc (09022015). Collection method: clinical testing. Allele origin: germline.
Comment: Advanced modeling of protein sequence and biophysical properties (such as structural, functional, and spatial information, amino acid conservation, physicochemical variation, residue mobility, and thermodynamic stability) performed at Invitae indicates that this missense variant is not expected to disrupt BAP1 protein function. In summary, the available evidence is currently insufficient to determine the role of this variant in disease. Therefore, it has been classified as a Variant of Uncertain Significance. ClinVar contains an entry for this variant (Variation ID: 845107). This variant has not been reported in the literature in individuals affected with BAP1-related conditions. This variant is present in population databases (no rsID available, gnomAD 0.0009%). This sequence change replaces histidine, which is basic and polar, with glutamine, which is neutral and polar, at codon 526 of the BAP1 protein (p.His526Gln).

Ambry Genetics
Classification: Uncertain significance for Hereditary cancer-predisposing syndrome. Last evaluated: 2021-05-17. Review status: criteria provided, single submitter. Criteria: Ambry Variant Classification Scheme 2023. Collection method: clinical testing. Allele origin: germline.
Comment: The p.H526Q variant (also known as c.1578C>A), located in coding exon 13 of the BAP1 gene, results from a C to A substitution at nucleotide position 1578. The histidine at codon 526 is replaced by glutamine, an amino acid with highly similar properties. This amino acid position is highly conserved in available vertebrate species. In addition, the in silico prediction for this alteration is inconclusive. Since supporting evidence is limited at this time, the clinical significance of this alteration remains unclear.